The following is an entry in ClinVar:

NM_001127222.2(CACNA1A):c.1429T>C (p.Phe477Leu)

Gene: CACNA1A (calcium voltage-gated channel subunit alpha1 A; minus strand). Cytogenetic location: 19p13.13.
Variant type: single nucleotide variant.
Coding change: c.1429T>C on transcript NM_001127222.2 (MANE Select); coding-DNA position 1429, T replaced by C.
Protein change: p.Phe477Leu; replaces phenylalanine 477 with leucine.
Molecular consequence: missense variant.
Genome position (GRCh38, 1-based): chr19:13,317,238, A>G on the plus strand (T>C on the coding strand, the complement: CACNA1A is on the minus strand). VCF-style: chr19-13317238-A-G. GRCh37 (hg19) VCF-style: chr19-13428052-A-G.
Other names: c.1432T>C, p.Phe478Leu (NM_000068.4, NM_001127221.2, NM_001174080.2 and 1 more transcripts); short protein forms F477L, F478L.
Identifiers: ClinVar variation 3905808 (VCV003905808.10).

ClinVar aggregate classification (germline): Uncertain significance (1 of 4 stars; one submission).

Submission:

CeGaT Center for Human Genetics Tuebingen
Classification: Uncertain significance. Last evaluated: 2025-05-01. Review status: criteria provided, single submitter. Criteria: CeGaT Center For Human Genetics Tuebingen Variant Classification Criteria Version 2. Collection method: clinical testing. Allele origin: germline. Affected: yes. Observed: 1 variant allele.
Comment: CACNA1A: PM2, PP3, PS2:Supporting